The following is an entry in ClinVar:

ClinVar aggregate classification (germline): Uncertain significance (1 of 4 stars; one submission).

Submission:

Dasa
Classification: Uncertain significance. Last evaluated: 2026-03-16. Review status: criteria provided, single submitter. Criteria: DASA Assertion Criteria. Collection method: clinical testing. Allele origin: germline.
Comment: NM_005560.6(LAMA5):c.6920C>T (p.Pro2307Leu) is a missense variant that results in the substitution of proline with leucine. This variant is rare in population databases. Computational prediction algorithms are consistent with a benign effect. The currently available literature and clinical evidence are not sufficient to establish a definitive association between this variant and the reported condition. Therefore, this variant is classified as a variant of uncertain significance.

NM_005560.6(LAMA5):c.6920C>T (p.Pro2307Leu)

Gene: LAMA5 (laminin subunit alpha 5; minus strand). Cytogenetic location: 20q13.33.
Variant type: single nucleotide variant.
Coding change: c.6920C>T on transcript NM_005560.6 (MANE Select); coding-DNA position 6920, C replaced by T.
Protein change: p.Pro2307Leu; replaces proline 2307 with leucine.
Molecular consequence: missense variant.
Genome position (GRCh38, 1-based): chr20:62,318,965, G>A on the plus strand (C>T on the coding strand, the complement: LAMA5 is on the minus strand). VCF-style: chr20-62318965-G-A. GRCh37 (hg19) VCF-style: chr20-60894021-G-A.
Other names: short protein forms P2307L.
Identifiers: ClinVar variation 5020691 (VCV005020691.1).